The following is an entry in ClinVar:

ClinVar aggregate classification (germline): Uncertain significance (1 of 4 stars; one submission).

Conditions:
Brugada syndrome 4 (BRGDA4). Identifiers: Orphanet 130, MedGen C2678477, MONDO:0012743, OMIM 611876.

Submission:

Labcorp Genetics (formerly Invitae), Labcorp
Classification: Uncertain significance for Brugada syndrome 4. Last evaluated: 2021-07-05. Review status: criteria provided, single submitter. Criteria: Invitae Variant Classification Sherloc (09022015). Collection method: clinical testing. Allele origin: germline.
Comment: In summary, the available evidence is currently insufficient to determine the role of this variant in disease. Therefore, it has been classified as a Variant of Uncertain Significance. Nucleotide substitutions within the consensus splice site are a relatively common cause of aberrant splicing (PMID: 17576681, 9536098). Algorithms developed to predict the effect of sequence changes on RNA splicing suggest that this variant may disrupt the consensus splice site. This variant has not been reported in the literature in individuals affected with CACNB2-related conditions. This variant is not present in population databases (ExAC no frequency). This sequence change falls in intron 12 of the CACNB2 gene. It does not directly change the encoded amino acid sequence of the CACNB2 protein. It affects a nucleotide within the consensus splice site of the intron.

Literature cited by the submitters: PubMed 17576681; PubMed 9536098.

NM_201596.3(CACNB2):c.1489-1G>T

Gene: CACNB2 (calcium voltage-gated channel auxiliary subunit beta 2; plus strand). Cytogenetic location: 10p12.31.
Variant type: single nucleotide variant.
Coding change: c.1489-1G>T on transcript NM_201596.3 (MANE Select); the canonical splice acceptor site of the intron before coding-DNA position 1489, G replaced by T.
Molecular consequence: splice acceptor variant.
Genome position (GRCh38, 1-based): chr10:18,539,229, G>T. VCF-style: chr10-18539229-G-T. GRCh37 (hg19) VCF-style: chr10-18828158-G-T.
Other names: c.1405-1G>T (NM_201571.4); c.1291-1G>T (NM_001167945.2); c.1333-1G>T (NM_201572.4); c.1375-1G>T (NM_201593.3); c.1417-1G>T (NM_201597.3); c.1324-1G>T (NM_000724.4); c.1210-1G>T (NM_001330060.2); c.1327-1G>T (NM_201590.3); and 2 more.
Identifiers: ClinVar variation 1476962 (VCV001476962.6), dbSNP rs2133332957, ClinGen allele CA376071060.